The following is an entry in ClinVar:

ClinVar aggregate classification (germline): Uncertain significance (1 of 4 stars; one submission).

Conditions:
Charcot-Marie-Tooth disease type 2. Also called: Charcot-Marie-Tooth type 2. Identifiers: Orphanet 64746, MedGen C0270914, MONDO:0018993.

gnomAD v4.1: 2 of 1,613,656 alleles (0.00012%); highest among the groups gnomAD compares: East Asian, 0.0022%; no homozygotes.

Submission:

Labcorp Genetics (formerly Invitae), Labcorp
Classification: Uncertain significance for Charcot-Marie-Tooth disease type 2. Last evaluated: 2024-08-05. Review status: criteria provided, single submitter. Criteria: Invitae Variant Classification Sherloc (09022015). Collection method: clinical testing. Allele origin: germline.
Comment: This sequence change replaces glutamine, which is neutral and polar, with arginine, which is basic and polar, at codon 669 of the KIF1B protein (p.Gln669Arg). This variant is present in population databases (no rsID available, gnomAD 0.006%). This variant has not been reported in the literature in individuals affected with KIF1B-related conditions. Advanced modeling of protein sequence and biophysical properties (such as structural, functional, and spatial information, amino acid conservation, physicochemical variation, residue mobility, and thermodynamic stability) performed at Invitae indicates that this missense variant is not expected to disrupt KIF1B protein function with a negative predictive value of 80%. In summary, the available evidence is currently insufficient to determine the role of this variant in disease. Therefore, it has been classified as a Variant of Uncertain Significance.

NM_001365951.3(KIF1B):c.2144A>G (p.Gln715Arg)

Gene: KIF1B (kinesin family member 1B; plus strand). Cytogenetic location: 1p36.22.
Variant type: single nucleotide variant.
Coding change: c.2144A>G on transcript NM_001365951.3 (MANE Select); coding-DNA position 2144, A replaced by G.
Protein change: p.Gln715Arg; replaces glutamine 715 with arginine.
Molecular consequence: missense variant.
Genome position (GRCh38, 1-based): chr1:10,320,071, A>G. VCF-style: chr1-10320071-A-G. GRCh37 (hg19) VCF-style: chr1-10380129-A-G.
Other names: c.2144A>G, p.Gln715Arg (NM_001365952.1); c.2006A>G, p.Gln669Arg (NM_015074.3); short protein forms Q669R, Q715R.
Identifiers: ClinVar variation 3698902 (VCV003698902.2).